The following is an entry in ClinVar:

ClinVar aggregate classification (germline): Uncertain significance. Review status: criteria provided, single submitter (1 of 4 stars). 2 submissions from 2 submitters: Uncertain significance (1). 1 of the submissions does not count toward it. Last evaluated 2021-08-26.

Conditions:
Glutaric acidemia type 2C.
Multiple acyl-CoA dehydrogenase deficiency (MADD). Also called: Glutaric acidemia type II; GA 2; Glutaric Acidemia type 2; Glutaric aciduria, type 2; ETHYLMALONIC-ADIPICACIDURIA; GA II. Identifiers: Orphanet 26791, MedGen C0268596, MONDO:0009282, OMIM 231680.

gnomAD v4.1: 2 of 1,614,140 alleles (0.00012%); highest among the groups gnomAD compares: Non-Finnish European, 0.00017%; no homozygotes.

Submissions (2):

Labcorp Genetics (formerly Invitae), Labcorp
Classification: Uncertain significance for Multiple acyl-CoA dehydrogenase deficiency. Last evaluated: 2021-08-26. Review status: criteria provided, single submitter. Criteria: Invitae Variant Classification Sherloc (09022015). Collection method: clinical testing. Allele origin: germline.
Comment: This sequence change replaces histidine with asparagine at codon 112 of the ETFDH protein (p.His112Asn). The histidine residue is highly conserved and there is a small physicochemical difference between histidine and asparagine. This variant is not present in population databases (ExAC no frequency). This variant has not been reported in the literature in individuals affected with ETFDH-related conditions. Algorithms developed to predict the effect of missense changes on protein structure and function are either unavailable or do not agree on the potential impact of this missense change (SIFT: "Deleterious"; PolyPhen-2: "Probably Damaging"; Align-GVGD: "Class C15"). In summary, the available evidence is currently insufficient to determine the role of this variant in disease. Therefore, it has been classified as a Variant of Uncertain Significance.

Natera, Inc.
Classification: Uncertain significance for Glutaric acidemia type 2C. Last evaluated: 2021-09-13. Review status: no assertion criteria provided. Collection method: clinical testing. Allele origin: germline. Not counted in ClinVar's aggregate classification.

NM_004453.4(ETFDH):c.334C>A (p.His112Asn)

Gene: ETFDH (electron transfer flavoprotein dehydrogenase; plus strand). Cytogenetic location: 4q32.1.
Variant type: single nucleotide variant.
Coding change: c.334C>A on transcript NM_004453.4 (MANE Select); coding-DNA position 334, C replaced by A.
Protein change: p.His112Asn; replaces histidine 112 with asparagine.
Molecular consequence: missense variant.
Genome position (GRCh38, 1-based): chr4:158,682,353, C>A. VCF-style: chr4-158682353-C-A. GRCh37 (hg19) VCF-style: chr4-159603505-C-A.
Other names: c.193C>A, p.His65Asn (NM_001281737.2); c.151C>A, p.His51Asn (NM_001281738.1); short protein forms H112N, H51N, H65N.
Identifiers: ClinVar variation 935145 (VCV000935145.7), dbSNP rs1773883564, ClinGen allele CA358574345.